The following is an entry in ClinVar:

NM_001042681.2(RERE):c.3092A>G (p.Gln1031Arg)

Gene: RERE (arginine-glutamic acid dipeptide repeats; minus strand). Cytogenetic location: 1p36.23.
Variant type: single nucleotide variant.
Coding change: c.3092A>G on transcript NM_001042681.2 (MANE Select); coding-DNA position 3092, A replaced by G.
Protein change: p.Gln1031Arg; replaces glutamine 1031 with arginine.
Molecular consequence: missense variant.
Genome position (GRCh38, 1-based): chr1:8,360,415, T>C on the plus strand (A>G on the coding strand, the complement: RERE is on the minus strand). VCF-style: chr1-8360415-T-C. GRCh37 (hg19) VCF-style: chr1-8420475-T-C.
Other names: c.1430A>G, p.Gln477Arg (NM_001042682.2); c.3092A>G, p.Gln1031Arg (NM_012102.4); short protein forms Q477R, Q1031R.
Identifiers: ClinVar variation 3313650 (VCV003313650.3).
Genomic context (GRCh38, chr1:8,360,415, plus strand): 5'-GTCGGAGGGGTGATGGGAGGAGGGCCTCCAGGGACAAAGGGGTGCTGAGCAAACGGGGGT[T>C]GGGGGGCCACCTGGTGGAGGCCTGTAGGGGGGTGGGAGGCAGGGGGCGGGGGCAGGTTCT-3'
Protein context (NP_001036146.1, residues 1021-1041): PPTGLHQVAP[Gln1031Arg]PPFAQHPFVP

ClinVar aggregate classification (germline): Uncertain significance. Review status: criteria provided, multiple submitters, no conflicts (2 of 4 stars). 2 submissions from 2 submitters: Uncertain significance (2). Last evaluated 2025-09-09.

Conditions:
Inborn genetic diseases. Identifiers: MedGen C0950123, MeSH D030342.

Submissions (2):

Dasa
Classification: Uncertain significance. Last evaluated: 2025-09-09. Review status: criteria provided, single submitter. Criteria: DASA Assertion Criteria. Collection method: clinical testing. Allele origin: germline.
Comment: NM_001042681.2(RERE):c.3092A>G (p.Gln1031Arg) is a missense variant that results in the substitution of glutamine with arginine. This variant is rare in population databases. The currently available literature and clinical evidence are not sufficient to establish a definitive association between this variant and the reported condition. Therefore, this variant is classified as a variant of uncertain significance.

Ambry Genetics
Classification: Uncertain significance for Inborn genetic diseases. Last evaluated: 2024-06-05. Review status: criteria provided, single submitter. Criteria: Ambry Variant Classification Scheme 2023. Collection method: clinical testing. Allele origin: germline.